The following is an entry in ClinVar:

NM_018418.5(SPATA7):c.316G>A (p.Ala106Thr)

Gene: SPATA7 (spermatogenesis associated 7; plus strand). Cytogenetic location: 14q31.3.
Variant type: single nucleotide variant.
Coding change: c.316G>A on transcript NM_018418.5 (MANE Select); coding-DNA position 316, G replaced by A.
Protein change: p.Ala106Thr; replaces alanine 106 with threonine.
Molecular consequence: missense variant.
Genome position (GRCh38, 1-based): chr14:88,416,788, G>A. VCF-style: chr14-88416788-G-A. GRCh37 (hg19) VCF-style: chr14-88883132-G-A.
Other names: c.220G>A, p.Ala74Thr (NM_001040428.4); short protein forms A106T, A74T.
Identifiers: ClinVar variation 1018667 (VCV001018667.9), dbSNP rs775594191, ClinGen allele CA390556693.

ClinVar aggregate classification (germline): Uncertain significance. Review status: criteria provided, multiple submitters, no conflicts (2 of 4 stars). 2 submissions from 2 submitters: Uncertain significance (2). Last evaluated 2023-07-12.

Conditions:
Leber congenital amaurosis 3 (LCA3). Also called: SPATA7-Related Retinitis Pigmentosa. Identifiers: MedGen C1858677, MONDO:0011415, OMIM 604232.

Allele frequency attached by ClinVar (database versions not stated): gnomAD 0.00001.
gnomAD v4.1: 3 of 1,608,534 alleles (0.00019%); highest among the groups gnomAD compares: Admixed American, 0.0033%; no homozygotes.

Submissions (2):

Blueprint Genetics
Classification: Uncertain significance. Last evaluated: 2023-07-12. Review status: criteria provided, single submitter. Criteria: ACMG Guidelines, 2015. Collection method: clinical testing. Allele origin: germline.

Labcorp Genetics (formerly Invitae), Labcorp
Classification: Uncertain significance for Leber congenital amaurosis 3. Last evaluated: 2020-09-09. Review status: criteria provided, single submitter. Criteria: Invitae Variant Classification Sherloc (09022015). Collection method: clinical testing. Allele origin: germline.
Comment: In summary, the available evidence is currently insufficient to determine the role of this variant in disease. Therefore, it has been classified as a Variant of Uncertain Significance. Algorithms developed to predict the effect of missense changes on protein structure and function output the following: SIFT: "Deleterious"; PolyPhen-2: "Benign"; Align-GVGD: "Class C0". The threonine amino acid residue is found in multiple mammalian species, suggesting that this missense change does not adversely affect protein function. These predictions have not been confirmed by published functional studies and their clinical significance is uncertain. This variant has not been reported in the literature in individuals with SPATA7-related conditions. This variant is not present in population databases (ExAC no frequency). This sequence change replaces alanine with threonine at codon 106 of the SPATA7 protein (p.Ala106Thr). The alanine residue is highly conserved and there is a small physicochemical difference between alanine and threonine.